The following is an entry in ClinVar:

ClinVar aggregate classification (germline): Benign/Likely benign. Review status: criteria provided, multiple submitters, no conflicts (2 of 4 stars). 4 submissions from 4 submitters: Benign (2); Likely benign (2). Last evaluated 2026-07-01.

Conditions:
Combined immunodeficiency due to LRBA deficiency. Also called: Common variable immunodeficiency 8, with autoimmunity. Identifiers: Orphanet 445018, MedGen C3553512, MONDO:0013863, OMIM 614700.

Allele frequency attached by ClinVar (database versions not stated): gnomAD exomes 0.00030 and 0.00084; ExAC 0.00111; gnomAD 0.00337 and 0.00360; TOPMed 0.00373; ESP Exome Variant Server 0.00377; 1000 Genomes Project 0.00419; 1000 Genomes Project 30x 0.00453.
gnomAD v4.1: 961 of 1,613,610 alleles (0.06%); highest among the groups gnomAD compares: African/African-American, 1.1%; 5 homozygotes.

Submissions (4):

CeGaT Center for Human Genetics Tuebingen
Classification: Likely benign. Last evaluated: 2026-07-01. Review status: criteria provided, single submitter. Criteria: CeGaT Center For Human Genetics Tuebingen Variant Classification Criteria Version 2. Collection method: clinical testing. Allele origin: germline. Affected: yes. Observed: 1 variant allele.
Comment: LRBA: BS1

Women's Health and Genetics/Laboratory Corporation of America, LabCorp
Classification: Likely benign. Last evaluated: 2026-02-11. Review status: criteria provided, single submitter. Criteria: LabCorp Variant Classification Summary - May 2015. Collection method: clinical testing. Allele origin: germline.
Comment: Variant summary: LRBA c.3331G>T (p.Val1111Leu) results in a conservative amino acid change in the encoded protein sequence. Algorithms developed to predict the effect of missense changes on protein structure and function are either unavailable or do not agree on the potential impact of this missense change. The variant allele was found at a frequency of 0.00084 in 251036 control chromosomes, predominantly at a frequency of 0.012 within the African or African-American subpopulation in the gnomAD database, including 3 homozygotes. The observed variant frequency within African or African-American control individuals in the gnomAD database exceeds the estimated maximal expected allele frequency for disease-causing variants in LRBA. To our knowledge, no occurrence of c.3331G>T in individuals affected with LRBA-related conditions and no experimental evidence demonstrating its impact on protein function have been reported. ClinVar contains an entry for this variant (Variation ID: 540422). Based on the evidence outlined above, the variant was classified as likely benign.

Labcorp Genetics (formerly Invitae), Labcorp
Classification: Benign for Combined immunodeficiency due to LRBA deficiency. Last evaluated: 2026-01-22. Review status: criteria provided, single submitter. Criteria: Invitae Variant Classification Sherloc (09022015). Collection method: clinical testing. Allele origin: germline.

Breakthrough Genomics
Classification: Benign. Review status: criteria provided, single submitter. Criteria: ACMG Guidelines, 2015. Collection method: not provided. Allele origin: germline. Inheritance: Autosomal recessive inheritance. Affected: yes.

NM_001364905.1(LRBA):c.3331G>T (p.Val1111Leu)

Gene: LRBA (LPS responsive beige-like anchor protein; minus strand). Cytogenetic location: 4q31.3.
Variant type: single nucleotide variant.
Coding change: c.3331G>T on transcript NM_001364905.1 (MANE Select); coding-DNA position 3331, G replaced by T.
Protein change: p.Val1111Leu; replaces valine 1111 with leucine.
Molecular consequence: missense variant.
Genome position (GRCh38, 1-based): chr4:150,852,379, C>A on the plus strand (G>T on the coding strand, the complement: LRBA is on the minus strand). VCF-style: chr4-150852379-C-A. GRCh37 (hg19) VCF-style: chr4-151773531-C-A.
Other names: c.3331G>T, p.Val1111Leu (NM_001199282.3, NM_001367550.1, NM_006726.5); short protein forms V1111L.
Identifiers: ClinVar variation 540422 (VCV000540422.14), dbSNP rs35250375, ClinGen allele CA3103063.
Genomic context (GRCh38, chr4:150,852,379, plus strand): 5'-CTTGGAGCTCTGTGGGTAGATTAGCTTCCTCAGTAGGACTGCCTTCTACTTTCAGTTCCA[C>A]ATAATCATCATCTTCCTCTTCCTCTACTATAGATTTATCCAAGAATTCTGGCATCTCTGA-3'
Protein context (NP_001351834.1, residues 1101-1121): IVEEEEDDDY[Val1111Leu]ELKVEGSPTE